The following is an entry in ClinVar:

NM_030662.4(MAP2K2):c.404G>T (p.Gly135Val)

Gene: MAP2K2 (mitogen-activated protein kinase kinase 2; minus strand). Cytogenetic location: 19p13.3.
Variant type: single nucleotide variant.
Coding change: c.404G>T on transcript NM_030662.4 (MANE Select); coding-DNA position 404, G replaced by T.
Protein change: p.Gly135Val; replaces glycine 135 with valine.
Molecular consequence: missense variant.
Genome position (GRCh38, 1-based): chr19:4,110,555, C>A on the plus strand (G>T on the coding strand, the complement: MAP2K2 is on the minus strand). VCF-style: chr19-4110555-C-A. GRCh37 (hg19) VCF-style: chr19-4110553-C-A.
Other names: short protein forms G135V.
Identifiers: ClinVar variation 3061850 (VCV003061850.5), dbSNP rs2041140884, ClinGen allele CA403391376.

ClinVar aggregate classification (germline): Conflicting classifications of pathogenicity. Review status: criteria provided, conflicting classifications (1 of 4 stars). 4 submissions from 4 submitters: Likely pathogenic (1); Uncertain significance (2). 1 of the submissions does not count toward it. Last evaluated 2025-11-15.

Conditions:
Cardiofaciocutaneous syndrome 4 (CFC4). Also called: MAP2K2-Related Cardiofaciocutaneous Syndrome. Identifiers: Orphanet 1340, MedGen C3809007, MONDO:0014114, OMIM 615280.
RASopathy. Also called: rasopathies; Noonan spectrum disorder. Identifiers: Orphanet 536391, MedGen C5555857, MONDO:0021060.

Allele frequency attached by ClinVar (database versions not stated): gnomAD exomes below 0.00001; TOPMed below 0.00001.
gnomAD v4.1: 2 of 1,613,962 alleles (0.00012%); highest among the groups gnomAD compares: Non-Finnish European, 0.00017%; no homozygotes.

Submissions (4):

Labcorp Genetics (formerly Invitae), Labcorp
Classification: Uncertain significance for RASopathy. Last evaluated: 2025-11-15. Review status: criteria provided, single submitter. Criteria: Invitae Variant Classification Sherloc (09022015). Collection method: clinical testing. Allele origin: germline.
Comment: This sequence change replaces glycine, which is neutral and non-polar, with valine, which is neutral and non-polar, at codon 135 of the MAP2K2 protein (p.Gly135Val). This variant is not present in population databases (gnomAD no frequency). This variant has not been reported in the literature in individuals affected with MAP2K2-related conditions. ClinVar contains an entry for this variant (Variation ID: 3061850). Invitae Evidence Modeling of protein sequence and biophysical properties (such as structural, functional, and spatial information, amino acid conservation, physicochemical variation, residue mobility, and thermodynamic stability) indicates that this missense variant is expected to disrupt MAP2K2 protein function with a positive predictive value of 95%. In summary, the available evidence is currently insufficient to determine the role of this variant in disease. Therefore, it has been classified as a Variant of Uncertain Significance.

MVZ Medizinische Genetik Mainz
Classification: Likely pathogenic for Cardiofaciocutaneous syndrome 4. Last evaluated: 2023-02-15. Review status: criteria provided, single submitter. Criteria: UK Practice Guidelines For Variant Classification V4 01 2020. Collection method: clinical testing. Allele origin: germline. Inheritance: Autosomal dominant inheritance. Observed: 1 variant allele.
Comment: PM1, PM2_SUP_MOD, PP2, PP3 (ACMG Version 4)

Blueprint Genetics
Classification: Uncertain significance. Last evaluated: 2021-12-08. Review status: criteria provided, single submitter. Criteria: ACMG Guidelines, 2015. Collection method: clinical testing. Allele origin: germline.

Clinical Genetics Laboratory, University Hospital Schleswig-Holstein
Classification: Uncertain significance for Cardiofaciocutaneous syndrome 4. Last evaluated: 2023-09-28. Review status: no assertion criteria provided. Collection method: clinical testing. Allele origin: germline. Affected: yes. Not counted in ClinVar's aggregate classification.